The following is an entry in ClinVar:

NM_000455.5(STK11):c.836G>T (p.Gly279Val)

Gene: STK11 (serine/threonine kinase 11; plus strand). Cytogenetic location: 19p13.3.
Variant type: single nucleotide variant.
Coding change: c.836G>T on transcript NM_000455.5 (MANE Select); coding-DNA position 836, G replaced by T.
Protein change: p.Gly279Val; replaces glycine 279 with valine.
Molecular consequence: missense variant.
Genome position (GRCh38, 1-based): chr19:1,221,314, G>T. VCF-style: chr19-1221314-G-T. GRCh37 (hg19) VCF-style: chr19-1221313-G-T.
Other names: short protein forms G279V.
Identifiers: ClinVar variation 822355 (VCV000822355.5), dbSNP rs865941858, ClinGen allele CA402950687.
Genomic context (GRCh38, chr19:1,221,314, plus strand): 5'-ACATCTACAAGTTGTTTGAGAACATCGGGAAGGGGAGCTACGCCATCCCGGGCGACTGTG[G>T]CCCCCCGCTCTCTGACCTGCTGAAAGGTGGGAGCCTCATCCCTCTGCCCGCAGCCCCAGG-3'
Protein context (NP_000446.1, residues 269-289): KGSYAIPGDC[Gly279Val]PPLSDLLKGM

ClinVar aggregate classification (germline): Uncertain significance. Review status: criteria provided, multiple submitters, no conflicts (2 of 4 stars). 2 submissions from 2 submitters: Uncertain significance (2). Last evaluated 2020-02-24.

Conditions:
Peutz-Jeghers syndrome (PJS). Also called: Peutz-Jeghers polyposis; Periorificial lentiginosis syndrome; POLYPOSIS, HAMARTOMATOUS INTESTINAL; POLYPS-AND-SPOTS SYNDROME. Identifiers: Orphanet 2869, MedGen C0031269, MeSH D010580, MONDO:0008280, OMIM 175200.
Hereditary cancer-predisposing syndrome. Also called: Hereditary Cancer Syndrome; Neoplastic Syndromes, Hereditary; Hereditary neoplastic syndrome; Tumor predisposition. Identifiers: Orphanet 140162, MedGen C0027672, MeSH D009386, MONDO:0015356.

Submissions (2):

Department of Pathology and Laboratory Medicine, Sinai Health System
Classification: Uncertain significance for Peutz-Jeghers syndrome. Last evaluated: 2020-02-24. Review status: criteria provided, single submitter. Criteria: ACMG Guidelines, 2015. Collection method: clinical testing. Allele origin: germline. Affected: yes.

Ambry Genetics
Classification: Uncertain significance for Hereditary cancer-predisposing syndrome. Last evaluated: 2018-12-12. Review status: criteria provided, single submitter. Criteria: Ambry Variant Classification Scheme 2023. Collection method: clinical testing. Allele origin: germline.
Comment: The p.G279V variant (also known as c.836G>T), located in coding exon 6 of the STK11 gene, results from a G to T substitution at nucleotide position 836. The glycine at codon 279 is replaced by valine, an amino acid with dissimilar properties. This amino acid position is highly conserved in available vertebrate species. In addition, the in silico prediction for this alteration is inconclusive. Since supporting evidence is limited at this time, the clinical significance of this alteration remains unclear.